The following is an entry in ClinVar:

ClinVar aggregate classification (germline): Conflicting classifications of pathogenicity. Review status: criteria provided, conflicting classifications (1 of 4 stars). 8 submissions from 8 submitters: Uncertain significance (1); Benign (2); Likely benign (2). 3 of the submissions do not count toward it. Last evaluated 2026-07-01.

Conditions:
Combined immunodeficiency due to DOCK8 deficiency (HIES2). Also called: Hyper-IgE recurrent infection syndrome, autosomal recessive; HYPER-IgE SYNDROME 2, AUTOSOMAL RECESSIVE, WITH RECURRENT INFECTIONS; HYPER-IgE RECURRENT INFECTION SYNDROME 2, AUTOSOMAL RECESSIVE; DOCK8 Deficiency; HIES autosomal recessive. Identifiers: Orphanet 217390, MedGen C4722305, MONDO:0009478, OMIM 243700.

Allele frequency attached by ClinVar (database versions not stated): 1000 Genomes Project 30x 0.00031; 1000 Genomes Project 0.00040; TOPMed 0.00059; ESP Exome Variant Server 0.00077; ExAC 0.00156; gnomAD 0.00186 and 0.00196; gnomAD exomes 0.00206.
gnomAD v4.1: 2,523 of 1,614,170 alleles (0.16%); highest among the groups gnomAD compares: Non-Finnish European, 0.12%; 11 homozygotes.

Submissions (8):

CeGaT Center for Human Genetics Tuebingen
Classification: Likely benign. Last evaluated: 2026-07-01. Review status: criteria provided, single submitter. Criteria: CeGaT Center For Human Genetics Tuebingen Variant Classification Criteria Version 2. Collection method: clinical testing. Allele origin: germline. Affected: yes. Observed: 1 variant allele.
Comment: DOCK8: BP4, BS2

Labcorp Genetics (formerly Invitae), Labcorp
Classification: Benign for Combined immunodeficiency due to DOCK8 deficiency. Last evaluated: 2026-01-24. Review status: criteria provided, single submitter. Criteria: Invitae Variant Classification Sherloc (09022015). Collection method: clinical testing. Allele origin: germline.

Illumina Laboratory Services, Illumina
Classification: Uncertain significance for Combined immunodeficiency due to DOCK8 deficiency. Last evaluated: 2018-01-13. Review status: criteria provided, single submitter. Criteria: ICSL Variant Classification Criteria 13 December 2019. Collection method: clinical testing. Allele origin: germline.

GeneDx
Classification: Likely benign. Last evaluated: 2017-05-19. Review status: criteria provided, single submitter. Criteria: GeneDx Variant Classification (06012015). Collection method: clinical testing. Allele origin: germline. Affected: yes.
Comment: This variant is considered likely benign or benign based on one or more of the following criteria: it is a conservative change, it occurs at a poorly conserved position in the protein, it is predicted to be benign by multiple in silico algorithms, and/or has population frequency not consistent with disease.

Laboratory for Molecular Medicine, Mass General Brigham Personalized Medicine
Classification: Benign. Last evaluated: 2017-03-06. Review status: criteria provided, single submitter. Criteria: LMM Criteria. Collection method: clinical testing. Allele origin: germline. Observed: 1 variant allele.
Comment: c.4024-4C>T in intron 31 of DOCK8: This variant is not expected to have clinical significance because it is not located within the splice consensus sequence. It has been identified in 1.3% (88/6614) of European (Finnish) chromosomes by the Exome Aggregation Consortium (ExAC; dbSNP rs1113 06749).

Clinical Genetics DNA and cytogenetics Diagnostics Lab, Erasmus MC, Erasmus Medical Center
Classification: Likely benign. Review status: no assertion criteria provided. Collection method: clinical testing. Allele origin: germline. Affected: yes. Study: VKGL Data-share Consensus. Not counted in ClinVar's aggregate classification.

Genome Diagnostics Laboratory, University Medical Center Utrecht
Classification: Likely benign. Review status: no assertion criteria provided. Collection method: clinical testing. Allele origin: germline. Affected: yes. Study: VKGL Data-share Consensus. Not counted in ClinVar's aggregate classification.

Laboratory of Diagnostic Genome Analysis, Leiden University Medical Center (LUMC)
Classification: Likely benign. Review status: no assertion criteria provided. Collection method: clinical testing. Allele origin: germline. Affected: yes. Study: VKGL Data-share Consensus. Not counted in ClinVar's aggregate classification.

NM_203447.4(DOCK8):c.4024-4C>T

Gene: DOCK8 (dedicator of cytokinesis 8; plus strand). Cytogenetic location: 9p24.3.
Variant type: single nucleotide variant.
Coding change: c.4024-4C>T on transcript NM_203447.4 (MANE Select); 4 bases into the intron before coding-DNA position 4024, C replaced by T.
Molecular consequence: intron variant.
Genome position (GRCh38, 1-based): chr9:420,945, C>T. VCF-style: chr9-420945-C-T. GRCh37 (hg19) VCF-style: chr9-420945-C-T.
Other names: c.3820-4C>T (NM_001193536.2); c.3724-4C>T (NM_001190458.2).
Identifiers: ClinVar variation 366996 (VCV000366996.23), dbSNP rs111306749, ClinGen allele CA4958917.